The following is an entry in ClinVar:

NM_001953.5(TYMP):c.1330G>A (p.Gly444Ser)

Genes: SCO2 (synthesis of cytochrome C oxidase 2; minus strand), TYMP (thymidine phosphorylase; minus strand), LOC130067862 (ATAC-STARR-seq lymphoblastoid silent region 13986; plus strand). Cytogenetic location: 22q13.33.
Variant type: single nucleotide variant.
Coding change: c.1330G>A on transcript NM_001953.5 (MANE Select); coding-DNA position 1330, G replaced by A.
Protein change: p.Gly444Ser; replaces glycine 444 with serine.
Molecular consequence: missense variant. On other transcripts: intron variant (2).
Genome position (GRCh38, 1-based): chr22:50,525,889, C>T on the plus strand (G>A on the coding strand, the complement: TYMP is on the minus strand). VCF-style: chr22-50525889-C-T. GRCh37 (hg19) VCF-style: chr22-50964318-C-T.
Other names: c.1330G>A, p.Gly444Ser (NM_001113755.3, NM_001113756.3, NM_001257988.1); c.1345G>A, p.Gly449Ser (NM_001257989.1); c.-14+357G>A (NM_001169109.2); c.-14+112G>A (NM_001169110.1); short protein forms G444S, G449S.
Identifiers: ClinVar variation 3898886 (VCV003898886.1).

ClinVar aggregate classification (germline): Uncertain significance (1 of 4 stars; one submission).

gnomAD v4.1: 2 of 1,572,650 alleles (0.00013%); no homozygotes.

Submission:

GeneDx
Classification: Uncertain significance. Last evaluated: 2024-11-11. Review status: criteria provided, single submitter. Criteria: GeneDx Variant Classification Process June 2021. Collection method: clinical testing. Allele origin: germline. Affected: yes.
Comment: Not observed at significant frequency in large population cohorts (gnomAD); In silico analysis indicates that this missense variant does not alter protein structure/function; Has not been previously published as pathogenic or benign to our knowledge